The following is an entry in ClinVar:

ClinVar aggregate classification (germline): Uncertain significance (1 of 4 stars; one submission).

Allele frequency attached by ClinVar (database versions not stated): gnomAD exomes below 0.00001; TOPMed 0.00001.

Submission:

Labcorp Genetics (formerly Invitae), Labcorp
Classification: Uncertain significance. Last evaluated: 2022-03-15. Review status: criteria provided, single submitter. Criteria: Invitae Variant Classification Sherloc (09022015). Collection method: clinical testing. Allele origin: germline.
Comment: In summary, the available evidence is currently insufficient to determine the role of this variant in disease. Therefore, it has been classified as a Variant of Uncertain Significance. Algorithms developed to predict the effect of missense changes on protein structure and function (SIFT, PolyPhen-2, Align-GVGD) all suggest that this variant is likely to be tolerated. This variant has not been reported in the literature in individuals affected with NDUFA12-related conditions. This variant is not present in population databases (gnomAD no frequency). This sequence change replaces arginine, which is basic and polar, with cysteine, which is neutral and slightly polar, at codon 88 of the NDUFA12 protein (p.Arg88Cys).

NM_018838.5(NDUFA12):c.262C>T (p.Arg88Cys)

Gene: NDUFA12 (NADH:ubiquinone oxidoreductase subunit A12; minus strand). Cytogenetic location: 12q22.
Variant type: single nucleotide variant.
Coding change: c.262C>T on transcript NM_018838.5 (MANE Select); coding-DNA position 262, C replaced by T.
Protein change: p.Arg88Cys; replaces arginine 88 with cysteine.
Molecular consequence: missense variant. On other transcripts: synonymous variant (1).
Genome position (GRCh38, 1-based): chr12:94,971,616, G>A on the plus strand (C>T on the coding strand, the complement: NDUFA12 is on the minus strand). VCF-style: chr12-94971616-G-A. GRCh37 (hg19) VCF-style: chr12-95365392-G-A.
Other names: c.174C>T, p.Ile58= (NM_001258338.2); short protein forms R88C.
Identifiers: ClinVar variation 2181928 (VCV002181928.2), dbSNP rs1384516042, ClinGen allele CA386148145.
Genomic context (GRCh38, chr12:94,971,616, plus strand): 5'-ATTTACGAGCAGTAAGTGGTTTTGTTGTTGGAGGATCATCAGTCATACTGTGAAGCCAAC[G>A]ATGCCTTAAAGAGGGGAAAAAACCCAAACAGTTATGAAGAGGCAGTACAGCATAGTGGAA-3'
Protein context (NP_061326.1, residues 78-98): DGSMVPPEWH[Arg88Cys]WLHSMTDDPP